The following is an entry in ClinVar:

NM_002317.7(LOX):c.1214_1220del (p.His405fs)

Genes: LOX (lysyl oxidase; minus strand), SRFBP1 (serum response factor binding protein 1; plus strand). Cytogenetic location: 5q23.1.
Variant type: Deletion.
Coding change: c.1214_1220del on transcript NM_002317.7 (MANE Select); coding-DNA positions 1214 to 1220, 7 bases deleted (ATCATGC; older notation c.1214_1220delATCATGC).
Protein change: p.His405fs; shifts the reading frame from histidine 405.
Molecular consequence: frameshift variant.
Genome position (GRCh38, 1-based): chr5:122,070,080-122,070,086, GCATGAT deleted on the plus strand (ATCATGC on the coding strand, the reverse complement: LOX is on the minus strand); deleting any 7 consecutive bases within chr5:122,070,080-122,070,087 gives the same sequence; the c. name uses the placement nearest the transcript's 3' end. VCF-style (leftmost placement, unchanged base first): chr5-122070079-CGCATGAT-C. GRCh37 (hg19) VCF-style: chr5-121405774-CGCATGAT-C.
Other names: c.524_530del, p.His175fs (NM_001178102.2); c.323_329del, p.His108fs (NM_001317073.1); short protein forms H108fs, H405fs, H175fs.
Identifiers: ClinVar variation 1397750 (VCV001397750.6), dbSNP rs2152587085, ClinGen allele CA2573138668.
Genomic context (GRCh38, chr5:122,070,079, plus strand): 5'-ACAACAATTACTTAGCTAAGCAAATAACACTTACGGTGAAATTGTGCAGCCTGAGGCATA[CGCATGAT>C]GTCCTGTGTAGCGAATGTCACAGCGCACAACATTGTTGGTATAGTCAGATTCAGGAACCA-3'

ClinVar aggregate classification (germline): Uncertain significance (1 of 4 stars; one submission).

Submission:

Labcorp Genetics (formerly Invitae), Labcorp
Classification: Uncertain significance. Last evaluated: 2025-09-07. Review status: criteria provided, single submitter. Criteria: Invitae Variant Classification Sherloc (09022015). Collection method: clinical testing. Allele origin: germline.
Comment: This sequence change is expected to alter the c-terminus of the LOX protein (p.His405Argfs*21). While this is not anticipated to result in nonsense mediated decay, it is expected to disrupt the last 13 amino acid(s) of the LOX protein and extend the protein by 7 additional amino acid residues. This variant is not present in population databases (gnomAD no frequency). This variant has not been reported in the literature in individuals affected with LOX-related conditions. ClinVar contains an entry for this variant (Variation ID: 1397750). Experimental studies and prediction algorithms are not available or were not evaluated, and the functional significance of this variant is currently unknown. In summary, the available evidence is currently insufficient to determine the role of this variant in disease. Therefore, it has been classified as a Variant of Uncertain Significance.